The following is an entry in ClinVar:

NM_024426.6(WT1):c.1182C>T (p.Arg394=)

Gene: WT1 (WT1 transcription factor; minus strand). Cytogenetic location: 11p13.
Variant type: single nucleotide variant.
Coding change: c.1182C>T on transcript NM_024426.6 (MANE Select); coding-DNA position 1182, C replaced by T.
Protein change: p.Arg394=; no amino-acid change (arginine 394 retained).
Molecular consequence: synonymous variant. On other transcripts: 5 prime UTR variant (1), non-coding transcript variant (2).
Genome position (GRCh38, 1-based): chr11:32,396,339, G>A on the plus strand (C>T on the coding strand, the complement: WT1 is on the minus strand). VCF-style: chr11-32396339-G-A. GRCh37 (hg19) VCF-style: chr11-32417885-G-A.
Other names: c.1131C>T, p.Arg377= (NM_000378.6, NM_001407045.1, NM_001407048.1 and 1 more transcripts); c.531C>T, p.Arg177= (NM_001198551.2); c.480C>T, p.Arg160= (NM_001198552.2); c.-7C>T (NM_001367854.1); c.1176C>T, p.Arg392= (NM_001407044.1); c.1182C>T, p.Arg394= (NM_001407046.1, NM_024424.5); c.1059C>T, p.Arg353= (NM_001407047.1); c.1008C>T, p.Arg336= (NM_001407050.1); and 2 more.
Identifiers: ClinVar variation 414080 (VCV000414080.35), dbSNP rs147939483, ClinGen allele CA064340.

ClinVar aggregate classification (germline): Conflicting classifications of pathogenicity. Review status: criteria provided, conflicting classifications (1 of 4 stars). 10 submissions from 8 submitters: Uncertain significance (2); Benign (4); Likely benign (3). 1 of the submissions does not count toward it. Last evaluated 2026-01-19.

Conditions:
WT1-related disorder. Also called: WT1-related disorders. Identifiers: MedGen CN377814.
Drash syndrome (DDS). Also called: NEPHROPATHY, WILMS TUMOR, AND GENITAL ANOMALIES; WILMS TUMOR AND PSEUDO- OR TRUE HERMAPHRODITISM. Identifiers: Orphanet 220, MedGen C0950121, MONDO:0008682, OMIM 194080.
Wilms tumor 1 (WT1). Also called: Wilms tumor, somatic. Identifiers: Orphanet 654, MedGen CN033288, MONDO:0008679, OMIM 194070.
11p partial monosomy syndrome (WAGR). Also called: WAGR Spectrum Disorder; CHROMOSOME 11p13 DELETION SYNDROME; WAGR syndrome; WAGR Complex. Identifiers: Orphanet 893, MedGen C0206115, MONDO:0008681, OMIM 194072.
Frasier syndrome. Identifiers: Orphanet 347, MedGen C0950122, MeSH D052159, MONDO:0007635, OMIM 136680.
Inborn genetic diseases. Identifiers: MedGen C0950123, MeSH D030342.
Nephrotic syndrome, type 4 (NPHS4). Also called: Familial mesangial sclerosis; Nephrotic syndrome, early onset with diffuse mesangial sclerosis. Identifiers: Orphanet 656, MedGen C3151568, MONDO:0009733, OMIM 256370.
Meacham syndrome. Also called: Meacham Winn Culler syndrome. Identifiers: Orphanet 3097, MedGen C1837026, MONDO:0012164, OMIM 608978.

Allele frequency attached by ClinVar (database versions not stated): ExAC 0.00014; gnomAD exomes 0.00020 and 0.00045; gnomAD 0.00026 and 0.00027; TOPMed 0.00028; ESP Exome Variant Server 0.00038.
gnomAD v4.1: 701 of 1,614,054 alleles (0.043%); highest among the groups gnomAD compares: Non-Finnish European, 0.056%; no homozygotes.

Submissions (10):

Labcorp Genetics (formerly Invitae), Labcorp
Classification: Benign for Wilms tumor 1; Drash syndrome; 11p partial monosomy syndrome; Frasier syndrome. Last evaluated: 2026-01-19. Review status: criteria provided, single submitter. Criteria: Invitae Variant Classification Sherloc (09022015). Collection method: clinical testing. Allele origin: germline.

CeGaT Center for Human Genetics Tuebingen
Classification: Likely benign. Last evaluated: 2024-09-01. Review status: criteria provided, single submitter. Criteria: CeGaT Center For Human Genetics Tuebingen Variant Classification Criteria Version 2. Collection method: clinical testing. Allele origin: germline. Affected: yes. Observed: 1 variant allele.
Comment: WT1: BP4, BP7

Ambry Genetics
Classification: Likely benign for Inborn genetic diseases. Last evaluated: 2024-08-21. Review status: criteria provided, single submitter. Criteria: Ambry Variant Classification Scheme 2023. Collection method: clinical testing. Allele origin: germline.

Blueprint Genetics
Classification: Likely benign. Last evaluated: 2024-06-13. Review status: criteria provided, single submitter. Criteria: ACMG Guidelines, 2015. Collection method: clinical testing. Allele origin: germline.

Color Diagnostics, LLC DBA Color Health
Classification: Benign for Wilms tumor 1. Last evaluated: 2022-09-30. Review status: criteria provided, single submitter. Criteria: ACMG Guidelines, 2015. Collection method: clinical testing. Allele origin: germline.

Illumina Laboratory Services, Illumina
Classification: Uncertain significance for Wilms tumor 1. Last evaluated: 2018-01-12. Review status: criteria provided, single submitter. Criteria: ICSL Variant Classification Criteria 13 December 2019. Collection method: clinical testing. Allele origin: germline.

Illumina Laboratory Services, Illumina
Classification: Benign for Meacham syndrome. Last evaluated: 2018-01-12. Review status: criteria provided, single submitter. Criteria: ICSL Variant Classification Criteria 13 December 2019. Collection method: clinical testing. Allele origin: germline.
Comment: This variant was observed in the ICSL laboratory as part of a predisposition screen in an ostensibly healthy population. It had not been previously curated by ICSL or reported in the Human Gene Mutation Database (HGMD: prior to June 1st, 2018), and was therefore a candidate for classification through an automated scoring system. Utilizing variant allele frequency, disease prevalence and penetrance estimates, and inheritance mode, an automated score was calculated to assess if this variant is too frequent to cause the disease. Based on the score and internal cut-off values, a variant classified as benign is not then subjected to further curation. The score for this variant resulted in a classification of benign for this disease.

Illumina Laboratory Services, Illumina
Classification: Uncertain significance for Nephrotic syndrome, type 4. Last evaluated: 2018-01-12. Review status: criteria provided, single submitter. Criteria: ICSL Variant Classification Criteria 13 December 2019. Collection method: clinical testing. Allele origin: germline.

Athena Diagnostics
Classification: Benign. Last evaluated: 2017-02-28. Review status: criteria provided, single submitter. Criteria: Athena Diagnostics Criteria. Collection method: clinical testing. Allele origin: germline.

PreventionGenetics, part of Exact Sciences
Classification: Likely benign for WT1-related condition. Last evaluated: 2019-06-10. Review status: no assertion criteria provided. Collection method: clinical testing. Allele origin: germline. Not counted in ClinVar's aggregate classification.
Comment: This variant is classified as likely benign based on ACMG/AMP sequence variant interpretation guidelines (Richards et al. 2015 PMID: 25741868, with internal and published modifications).